The following is an entry in ClinVar:

ClinVar aggregate classification (germline): Uncertain significance. Review status: criteria provided, multiple submitters, no conflicts (2 of 4 stars). 4 submissions from 4 submitters: Uncertain significance (4). Last evaluated 2026-10-01.

Conditions:
Hereditary cancer-predisposing syndrome. Also called: Hereditary Cancer Syndrome; Hereditary neoplastic syndrome; Neoplastic Syndromes, Hereditary; Tumor predisposition. Identifiers: Orphanet 140162, MedGen C0027672, MeSH D009386, MONDO:0015356.
Tuberous sclerosis syndrome (TSC). Also called: Tuberous Sclerosis Complex; Tuberous sclerosis. Identifiers: Orphanet 805, MedGen C0041341, MONDO:0001734.
Tuberous sclerosis 2 (TSC2). Identifiers: Orphanet 805, MedGen C1860707, MONDO:0013199, OMIM 613254.

gnomAD v4.1: 1 of 1,612,776 alleles (0.000062%); highest among the groups gnomAD compares: East Asian, 0.0022%; no homozygotes.

Submissions (4):

St. Jude Molecular Pathology, St. Jude Children's Research Hospital
Classification: Uncertain significance for Tuberous sclerosis 2. Last evaluated: 2026-10-01. Review status: criteria provided, single submitter. Criteria: St. Jude Assertion Criteria 2020. Collection method: clinical testing. Allele origin: germline.
Comment: The TSC2 c.3773C>T p.(Ala1258Val) missense change is absent in gnomAD v2.1.1. The in silico tool REVEL is inconclusive about a pathogenic or benign effect of this variant on protein function, and to our knowledge functional studies have not been performed. To our knowledge, this variant has not been reported in individuals with tuberous sclerosis complex. In summary, the evidence currently available is insufficient to determ ine the clinical significance of this variant. It has therefore been classified as of uncertain significance (VUS-Low).

Labcorp Genetics (formerly Invitae), Labcorp
Classification: Uncertain significance for Tuberous sclerosis 2. Last evaluated: 2025-12-21. Review status: criteria provided, single submitter. Criteria: Invitae Variant Classification Sherloc (09022015). Collection method: clinical testing. Allele origin: germline.
Comment: This sequence change replaces alanine, which is neutral and non-polar, with valine, which is neutral and non-polar, at codon 1258 of the TSC2 protein (p.Ala1258Val). This variant is not present in population databases (gnomAD no frequency). This variant has not been reported in the literature in individuals affected with TSC2-related conditions. ClinVar contains an entry for this variant (Variation ID: 3071028). Invitae Evidence Modeling of protein sequence and biophysical properties (such as structural, functional, and spatial information, amino acid conservation, physicochemical variation, residue mobility, and thermodynamic stability) indicates that this missense variant is not expected to disrupt TSC2 protein function with a negative predictive value of 95%. In summary, the available evidence is currently insufficient to determine the role of this variant in disease. Therefore, it has been classified as a Variant of Uncertain Significance.

Ambry Genetics
Classification: Uncertain significance for Hereditary cancer-predisposing syndrome. Last evaluated: 2023-12-14. Review status: criteria provided, single submitter. Criteria: Ambry Variant Classification Scheme 2023. Collection method: clinical testing. Allele origin: germline.
Comment: The p.A1258V variant (also known as c.3773C>T), located in coding exon 30 of the TSC2 gene, results from a C to T substitution at nucleotide position 3773. The alanine at codon 1258 is replaced by valine, an amino acid with similar properties. This amino acid position is conserved. In addition, the in silico prediction for this alteration is inconclusive. Since supporting evidence is limited at this time, the clinical significance of this alteration remains unclear.

All of Us Research Program, National Institutes of Health
Classification: Uncertain significance for Tuberous sclerosis syndrome. Last evaluated: 2023-05-16. Review status: criteria provided, single submitter. Criteria: ACMG Guidelines, 2015. Collection method: clinical testing. Allele origin: germline. Inheritance: Autosomal dominant inheritance. Observed: 1 variant allele, 1 heterozygote.
Comment: This missense variant replaces alanine with valine at codon 1258 of the TSC2 protein. Computational prediction suggests that this variant may not impact protein structure and function (internally defined REVEL score threshold <= 0.5, PMID: 27666373). To our knowledge, functional studies have not been reported for this variant. This variant has not been reported in individuals affected with TSC2-related disorders in the literature. This variant has not been identified in the general population by the Genome Aggregation Database (gnomAD). The available evidence is insufficient to determine the role of this variant in disease conclusively. Therefore, this variant is classified as a Variant of Uncertain Significance.

This study involves interpretation of variants in research participants for the purpose of population health screening. Participant phenotype was not available at the time of variant classification. Additional details can be found in publication PMID: 35346344, PMCID: PMC8962531

NM_000548.5(TSC2):c.3773C>T (p.Ala1258Val)

Gene: TSC2 (TSC complex subunit 2; plus strand). Cytogenetic location: 16p13.3.
Variant type: single nucleotide variant.
Coding change: c.3773C>T on transcript NM_000548.5 (MANE Select); coding-DNA position 3773, C replaced by T.
Protein change: p.Ala1258Val; replaces alanine 1258 with valine.
Molecular consequence: missense variant. On other transcripts: non-coding transcript variant (5).
Genome position (GRCh38, 1-based): chr16:2,081,757, C>T. VCF-style: chr16-2081757-C-T. GRCh37 (hg19) VCF-style: chr16-2131758-C-T.
Other names: c.3641C>T, p.Ala1214Val (NM_001077183.3, NM_001370404.1, NM_001406665.1); c.3773C>T, p.Ala1258Val (NM_001114382.3); c.3533C>T, p.Ala1178Val (NM_001318827.2); c.3497C>T, p.Ala1166Val (NM_001318829.2); c.3041C>T, p.Ala1014Val (NM_001318831.2, NM_001406687.1, NM_001406688.1); c.3674C>T, p.Ala1225Val (NM_001318832.2); c.3644C>T, p.Ala1215Val (NM_001363528.2, NM_001370405.1, NM_021055.3); c.3770C>T, p.Ala1257Val (NM_001406663.1, NM_001406664.1); and 18 more; short protein forms A1014V, A1015V, A1057V, A1058V, A1061V, A1165V, A1166V, A1177V.
Identifiers: ClinVar variation 3071028 (VCV003071028.5), dbSNP rs1060500958, ClinGen allele CA394293330.
Genomic context (GRCh38, chr16:2,081,757, plus strand): 5'-CTGAGCGCTTCAAGGAGCACCGGGACACAGCCCTGTACAAGTCACTGTCGGTGCCGGCAG[C>T]CAGCACGGCCAAACCCCCTCCTCTGCCTCGCTCCAACACAGGTGAGTGGCATGGCGGGCC-3'
Protein context (NP_000539.2, residues 1248-1268): ALYKSLSVPA[Ala1258Val]STAKPPPLPR